The following is an entry in ClinVar:

NM_001204182.2(NEK2):c.1167G>A (p.Ter389=)

Gene: NEK2 (NIMA related kinase 2; minus strand). Cytogenetic location: 1q32.3.
Variant type: single nucleotide variant.
Coding change: c.1167G>A on transcript NM_001204182.2; coding-DNA position 1167, G replaced by A.
Protein change: p.Ter389=.
Molecular consequence: synonymous variant.
Genome position (GRCh38, 1-based): chr1:211,658,657, C>T on the plus strand (G>A on the coding strand, the complement: NEK2 is on the minus strand). VCF-style: chr1-211658657-C-T. GRCh37 (hg19) VCF-style: chr1-211831999-C-T.
Identifiers: ClinVar variation 3046446 (VCV003046446.2), dbSNP rs533273372, ClinGen allele CA1381436.

ClinVar aggregate classification (germline): Likely benign (0 of 4 stars; one submission).

Conditions:
NEK2-related disorder. Also called: NEK2-related condition.

Allele frequency attached by ClinVar (database versions not stated): 1000 Genomes Project 0.00020; 1000 Genomes Project 30x 0.00016; gnomAD 0.00029; gnomAD exomes 0.00049; ExAC 0.00170.
gnomAD v4.1: 177 of 413,578 alleles (0.043%); highest among the groups gnomAD compares: South Asian, 0.21%; 2 homozygotes.

Submission:

PreventionGenetics, part of Exact Sciences
Classification: Likely benign for NEK2-related condition. Last evaluated: 2020-12-07. Review status: no assertion criteria provided. Collection method: clinical testing. Allele origin: germline.
Comment: This variant is classified as likely benign based on ACMG/AMP sequence variant interpretation guidelines (Richards et al. 2015 PMID: 25741868, with internal and published modifications).